The following is an entry in ClinVar:

ClinVar aggregate classification (germline): Uncertain significance. Review status: criteria provided, multiple submitters, no conflicts (2 of 4 stars). 4 submissions from 4 submitters: Uncertain significance (3). 1 of the submissions does not count toward it. Last evaluated 2024-01-10.

Conditions:
Congenital erythropoietic porphyria. Also called: GUNTHER DISEASE; UROS DEFICIENCY; Cutaneous porphyria; Congenital porphyria; Günther disease; Uroporphyrinogen III synthase, deficiency of. Identifiers: Orphanet 79277, MedGen C5886774, MONDO:0009902, OMIM 263700.

Allele frequency attached by ClinVar (database versions not stated): ExAC 0.00003; gnomAD exomes 0.00005 and 0.00002; TOPMed 0.00003; gnomAD 0.00001; ESP Exome Variant Server 0.00008.
gnomAD v4.1: 32 of 1,613,756 alleles (0.002%); highest among the groups gnomAD compares: Non-Finnish European, 0.0025%; no homozygotes.

Submissions (4):

Mayo Clinic Laboratories, Mayo Clinic
Classification: Uncertain significance. Last evaluated: 2024-01-10. Review status: criteria provided, single submitter. Criteria: ACMG Guidelines, 2015. Collection method: clinical testing. Allele origin: germline. Observed: 1 variant allele.
Comment: BP4

Labcorp Genetics (formerly Invitae), Labcorp
Classification: Uncertain significance. Last evaluated: 2021-10-22. Review status: criteria provided, single submitter. Criteria: Invitae Variant Classification Sherloc (09022015). Collection method: clinical testing. Allele origin: germline.
Comment: Algorithms developed to predict the effect of missense changes on protein structure and function (SIFT, PolyPhen-2, Align-GVGD) all suggest that this variant is likely to be tolerated. ClinVar contains an entry for this variant (Variation ID: 299192). This variant has not been reported in the literature in individuals affected with UROS-related conditions. This variant is present in population databases (rs369561042, ExAC 0.01%). This sequence change replaces lysine with asparagine at codon 109 of the UROS protein (p.Lys109Asn). The lysine residue is weakly conserved and there is a moderate physicochemical difference between lysine and asparagine. In summary, the available evidence is currently insufficient to determine the role of this variant in disease. Therefore, it has been classified as a Variant of Uncertain Significance.

Illumina Laboratory Services, Illumina
Classification: Uncertain significance for Congenital erythropoietic porphyria. Last evaluated: 2018-01-13. Review status: criteria provided, single submitter. Criteria: ICSL Variant Classification Criteria 13 December 2019. Collection method: clinical testing. Allele origin: germline.

Department of Pathology and Laboratory Medicine, Sinai Health System
Classification: Uncertain significance. Review status: no assertion criteria provided. Collection method: clinical testing. Allele origin: unknown. Affected: yes. Study: The Canadian Open Genetics Repository (COGR). Not counted in ClinVar's aggregate classification.
Comment: The UROS p.Lys109Asn variant was not identified in the literature nor was it identified in LOVD 3.0. The variant was identified in dbSNP (ID: rs369561042) and ClinVar (classified as a VUS by Illumina). The variant was also identified in control databases in 14 of 282664 chromosomes at a frequency of 0.00005 (Genome Aggregation Database Feb 27, 2017). The variant was observed in the following populations: Other in 1 of 7210 chromosomes (freq: 0.000139), European (non-Finnish) in 12 of 129050 chromosomes (freq: 0.000093) and East Asian in 1 of 19954 chromosomes (freq: 0.00005), but was not observed in the African, Latino, Ashkenazi Jewish, European (Finnish) or South Asian populations. The p.Lys109 residue is conserved in mammals but not in more distantly related organisms however computational analyses (PolyPhen-2, SIFT, AlignGVGD, BLOSUM, MutationTaster) do not suggest a high likelihood of impact to the protein; this information is not predictive enough to rule out pathogenicity. The variant occurs outside of the splicing consensus sequence and in silico or computational prediction software programs (SpliceSiteFinder, MaxEntScan, NNSPLICE, GeneSplicer) do not predict a difference in splicing. In summary, based on the above information the clinical significance of this variant cannot be determined with certainty at this time. This variant is classified as a variant of uncertain significance.

NM_000375.3(UROS):c.327A>C (p.Lys109Asn)

Gene: UROS (uroporphyrinogen III synthase; minus strand). Cytogenetic location: 10q26.2.
Variant type: single nucleotide variant.
Coding change: c.327A>C on transcript NM_000375.3 (MANE Select); coding-DNA position 327, A replaced by C.
Protein change: p.Lys109Asn; replaces lysine 109 with asparagine.
Molecular consequence: missense variant. On other transcripts: non-coding transcript variant (4).
Genome position (GRCh38, 1-based): chr10:125,807,480, T>G on the plus strand (A>C on the coding strand, the complement: UROS is on the minus strand). VCF-style: chr10-125807480-T-G. GRCh37 (hg19) VCF-style: chr10-127496049-T-G.
Other names: p.Lys109Asn; c.327A>C, p.Lys109Asn (NM_001324036.2, NM_001324037.2, NM_001324038.2 and 1 more transcripts); short protein forms K109N.
Identifiers: ClinVar variation 299192 (VCV000299192.12), dbSNP rs369561042, ClinGen allele CA5738513.